The following is an entry in ClinVar:

ClinVar aggregate classification (germline): Conflicting classifications of pathogenicity. Review status: criteria provided, conflicting classifications (1 of 4 stars). 3 submissions from 3 submitters: Uncertain significance (2); Likely benign (1). Last evaluated 2025-03-06.

Conditions:
Multiple endocrine neoplasia type 2B. Also called: MUCOSAL NEUROMA SYNDROME; Multiple endocrine neoplasia, type 3; MULTIPLE ENDOCRINE NEOPLASIA, TYPE IIB; MEN IIB; NEUROMATA, MUCOSAL, WITH ENDOCRINE TUMORS; WAGENMANN-FROBOESE SYNDROME. Identifiers: Orphanet 247709, Orphanet 653, MedGen C0025269, MeSH D018814, MONDO:0008082, OMIM 162300.
Pheochromocytoma. Also called: MAX-Related Hereditary Paraganglioma-Pheochromocytoma Syndrome. Identifiers: Orphanet 29072, MedGen C0031511, MONDO:0008233, OMIM 171300, HP:0002666.
Familial medullary thyroid carcinoma (MTC). Also called: Thyroid cancer, familial medullary; MTC, familial; Familial Medullary Thyroid Carcinoma (FMTC). Identifiers: Orphanet 653, Orphanet 99361, MedGen C1833921, MONDO:0007958, OMIM 155240.
Hirschsprung disease, susceptibility to, 1 (HSCR1). Also called: RET-Related Hirschsprung Disease. Identifiers: Orphanet 388, MedGen C3888239, MONDO:0007723, OMIM 142623.
Multiple endocrine neoplasia type 2A. Also called: MULTIPLE ENDOCRINE NEOPLASIA, TYPE IIA; PTC SYNDROME; SIPPLE SYNDROME; MEN 2A; MEN-2A syndrome; Pheochromocytoma and amyloid producing medullary thyroid carcinoma. Identifiers: Orphanet 247698, Orphanet 653, MedGen C0025268, MeSH D018813, MONDO:0008234, OMIM 171400.
Hereditary cancer-predisposing syndrome. Also called: Neoplastic Syndromes, Hereditary; Tumor predisposition; Hereditary Cancer Syndrome; Hereditary neoplastic syndrome. Identifiers: Orphanet 140162, MedGen C0027672, MeSH D009386, MONDO:0015356.
Multiple endocrine neoplasia, type 2 (MEN2). Identifiers: Orphanet 653, MedGen C4048306, MONDO:0019003. Disease mechanism: gain of function.

Submissions (3):

Ambry Genetics
Classification: Uncertain significance for Hereditary cancer-predisposing syndrome. Last evaluated: 2025-03-06. Review status: criteria provided, single submitter. Criteria: Ambry Variant Classification Scheme 2023. Collection method: clinical testing. Allele origin: germline.
Comment: The c.96G>T variant (also known as p.S32S) is located in coding exon 2 of the RET gene. This variant results from a G to T substitution at nucleotide position 96. This nucleotide substitution does not change the amino acid at codon 32. This nucleotide position is poorly conserved in available vertebrate species. In silico splice site analysis predicts that this alteration will result in the creation or strengthening of a novel splice acceptor site. Based on the available evidence, the clinical significance of this variant remains unclear.

Fulgent Genetics
Classification: Uncertain significance for Hirschsprung disease, susceptibility to, 1; Familial medullary thyroid carcinoma; Multiple endocrine neoplasia type 2B; Pheochromocytoma; Multiple endocrine neoplasia type 2A. Last evaluated: 2024-06-19. Review status: criteria provided, single submitter. Criteria: ACMG Guidelines, 2015. Collection method: clinical testing. Allele origin: germline.

Labcorp Genetics (formerly Invitae), Labcorp
Classification: Likely benign for Multiple endocrine neoplasia, type 2. Last evaluated: 2021-03-09. Review status: criteria provided, single submitter. Criteria: Invitae Variant Classification Sherloc (09022015). Collection method: clinical testing. Allele origin: germline.

NM_020975.6(RET):c.96G>T (p.Ser32=)

Gene: RET (ret proto-oncogene; plus strand). Cytogenetic location: 10q11.21.
Variant type: single nucleotide variant.
Coding change: c.96G>T on transcript NM_020975.6 (MANE Select); coding-DNA position 96, G replaced by T.
Protein change: p.Ser32=; no amino-acid change (serine 32 retained).
Molecular consequence: synonymous variant. On other transcripts: intron variant (4).
Genome position (GRCh38, 1-based): chr10:43,100,481, G>T. VCF-style: chr10-43100481-G-T. GRCh37 (hg19) VCF-style: chr10-43595929-G-T.
Other names: c.96G>T, p.Ser32= (NM_000323.2, NM_001406743.1, NM_001406744.1 and 34 more transcripts); c.74-8550G>T (NM_001406784.1); c.74-11618G>T (NM_001406794.1, NM_001406792.1, NM_001406793.1).
Identifiers: ClinVar variation 1149781 (VCV001149781.12), dbSNP rs139821724, ClinGen allele CA469490328.